The following is an entry in ClinVar:

NM_000152.5(GAA):c.260A>G (p.Asn87Ser)

Gene: GAA (alpha glucosidase; plus strand). Cytogenetic location: 17q25.3.
Variant type: single nucleotide variant.
Coding change: c.260A>G on transcript NM_000152.5 (MANE Select); coding-DNA position 260, A replaced by G.
Protein change: p.Asn87Ser; replaces asparagine 87 with serine.
Molecular consequence: missense variant.
Genome position (GRCh38, 1-based): chr17:80,104,846, A>G. VCF-style: chr17-80104846-A-G. GRCh37 (hg19) VCF-style: chr17-78078645-A-G.
Other names: c.260A>G, p.Asn87Ser (NM_001079803.3, NM_001079804.3); short protein forms N87S.
Identifiers: ClinVar variation 1009265 (VCV001009265.9), dbSNP rs117530672, ClinGen allele CA401360556.

ClinVar aggregate classification (germline): Uncertain significance. Review status: criteria provided, multiple submitters, no conflicts (2 of 4 stars). 3 submissions from 3 submitters: Uncertain significance (2). 1 of the submissions does not count toward it. Last evaluated 2022-08-11.

Conditions:
Glycogen storage disease, type II (IOPD). Also called: Pompe Disease; CARDIOMEGALIA GLYCOGENICA DIFFUSA; Glycogen storage disease type 2; Acid maltase deficiency disease; Aglucosidase alfa; Deficiency of alpha-glucosidase. Identifiers: Orphanet 365, MedGen C0017921, MONDO:0009290, OMIM 232300.

Allele frequency attached by ClinVar (database versions not stated): gnomAD exomes below 0.00001; TOPMed below 0.00001; gnomAD 0.00001.
gnomAD v4.1: 7 of 1,612,350 alleles (0.00043%); highest among the groups gnomAD compares: East Asian, 0.013%; no homozygotes.

Submissions (3):

Revvity Omics, Revvity
Classification: Uncertain significance. Last evaluated: 2022-08-11. Review status: criteria provided, single submitter. Criteria: ACMG Guidelines, 2015. Collection method: clinical testing. Allele origin: germline.

Labcorp Genetics (formerly Invitae), Labcorp
Classification: Uncertain significance for Glycogen storage disease, type II. Last evaluated: 2022-03-08. Review status: criteria provided, single submitter. Criteria: Invitae Variant Classification Sherloc (09022015). Collection method: clinical testing. Allele origin: germline.
Comment: This sequence change replaces asparagine, which is neutral and polar, with serine, which is neutral and polar, at codon 87 of the GAA protein (p.Asn87Ser). This variant is present in population databases (no rsID available, gnomAD 0.01%). This variant has not been reported in the literature in individuals affected with GAA-related conditions. ClinVar contains an entry for this variant (Variation ID: 1009265). Advanced modeling of protein sequence and biophysical properties (such as structural, functional, and spatial information, amino acid conservation, physicochemical variation, residue mobility, and thermodynamic stability) performed at Invitae indicates that this missense variant is not expected to disrupt GAA protein function. Algorithms developed to predict the effect of sequence changes on RNA splicing suggest that this variant may create or strengthen a splice site. In summary, the available evidence is currently insufficient to determine the role of this variant in disease. Therefore, it has been classified as a Variant of Uncertain Significance.

Natera, Inc.
Classification: Uncertain significance for Glycogen storage disease type II. Last evaluated: 2020-02-13. Review status: no assertion criteria provided. Collection method: clinical testing. Allele origin: germline. Not counted in ClinVar's aggregate classification.